The following is an entry in ClinVar:

NM_001017420.3(ESCO2):c.955+2_955+5del

Gene: ESCO2 (establishment of sister chromatid cohesion N-acetyltransferase 2; plus strand). Cytogenetic location: 8p21.1.
Variant type: Deletion.
Coding change: c.955+2_955+5del on transcript NM_001017420.3 (MANE Select); the canonical splice donor site of the intron after coding-DNA position 955 through 5 bases into the intron after coding-DNA position 955, 4 bases deleted (TAAG; older notation c.955+2_955+5delTAAG).
Molecular consequence: splice donor variant.
Genome position (GRCh38, 1-based): chr8:27,780,269-27,780,272, TAAG deleted; deleting any 4 consecutive bases within chr8:27,780,266-27,780,272 gives the same sequence; the c. name uses the placement nearest the transcript's 3' end. VCF-style (leftmost placement, unchanged base first): chr8-27780265-CAAGT-C. GRCh37 (hg19) VCF-style: chr8-27637782-CAAGT-C.
Other names: c.955+2_+5delTAAG (NM_001017420.2).
Identifiers: ClinVar variation 21252 (VCV000021252.10), dbSNP rs80359858, ClinGen allele CA341797.

ClinVar aggregate classification (germline): Pathogenic/Likely pathogenic. Review status: criteria provided, multiple submitters, no conflicts (2 of 4 stars). 4 submissions from 4 submitters: Pathogenic (1); Likely pathogenic (2). 1 of the submissions does not count toward it. Last evaluated 2024-02-21.

Conditions:
Roberts-SC phocomelia syndrome (RBS). Also called: Hypomelia hypotrichosis facial hemangioma syndrome; LONG BONE DEFICIENCIES ASSOCIATED WITH CLEFT LIP-PALATE; Pseudothalidomide syndrome; Appelt-Gerken-Lenz syndrome; ESCO2 Spectrum Disorder. Identifiers: Orphanet 3103, MedGen C0392475, MONDO:0100253, OMIM 268300.
Juberg-Hayward syndrome (JHS). Also called: OROCRANIODIGITAL SYNDROME; Cleft lip/palate with abnormal thumbs and microcephaly. Identifiers: Orphanet 2319, MedGen C0796099, MONDO:0008992, OMIM 216100.

Submissions (4):

Fulgent Genetics
Classification: Likely pathogenic for Juberg-Hayward syndrome; Roberts-SC phocomelia syndrome. Last evaluated: 2024-02-21. Review status: criteria provided, single submitter. Criteria: ACMG Guidelines, 2015. Collection method: clinical testing. Allele origin: germline.

Labcorp Genetics (formerly Invitae), Labcorp
Classification: Likely pathogenic. Last evaluated: 2023-08-22. Review status: criteria provided, single submitter. Criteria: Invitae Variant Classification Sherloc (09022015). Collection method: clinical testing. Allele origin: germline.
Comment: ClinVar contains an entry for this variant (Variation ID: 21252). In summary, the currently available evidence indicates that the variant is pathogenic, but additional data are needed to prove that conclusively. Therefore, this variant has been classified as Likely Pathogenic. Algorithms developed to predict the effect of sequence changes on RNA splicing suggest that this variant may disrupt the consensus splice site. Disruption of this splice site has been observed in individual(s) with Roberts syndrome (PMID: 18411254). This variant is present in population databases (rs758509801, gnomAD 0.01%). This sequence change affects a splice site in intron 4 of the ESCO2 gene. It is expected to disrupt RNA splicing. Variants that disrupt the donor or acceptor splice site typically lead to a loss of protein function (PMID: 16199547), and loss-of-function variants in ESCO2 are known to be pathogenic (PMID: 15821733, 16380922).

3billion
Classification: Pathogenic for Roberts-SC phocomelia syndrome. Review status: criteria provided, single submitter. Criteria: ACMG Guidelines, 2015. Collection method: clinical testing. Allele origin: unknown. Affected: yes. Observed: 1 homozygote.
Comment: The variant is observed at an extremely low frequency in the gnomAD v2.1.1 dataset (total allele frequency: 0.001%). The variant is predicted to alter splicing and result in a loss or disruption of normal protein function. Multiple pathogenic loss-of-function variants are reported downstream of the variant. The variant has been reported to be associated with ESCO2 -related disorder (ClinVar ID: VCV000021252 / PMID: 18411254). Therefore, this variant is classified as Pathogenic according to the recommendation of ACMG/AMP guideline.

GeneReviews
Classification: Pathogenic for Roberts Syndrome. Last evaluated: 2008-10-02. Review status: no assertion criteria provided. Collection method: curation. Allele origin: unknown. Not counted in ClinVar's aggregate classification.
ClinVar note: Converted during submission from pathologic to Pathogenic.

Literature cited by the submitters: PubMed 18411254 (cited by Labcorp Genetics (formerly Invitae), Labcorp and 3billion); PubMed 16199547 (cited by Labcorp Genetics (formerly Invitae), Labcorp); PubMed 15821733 (cited by Labcorp Genetics (formerly Invitae), Labcorp); PubMed 16380922 (cited by Labcorp Genetics (formerly Invitae), Labcorp).